The following is an entry in ClinVar:

ClinVar aggregate classification (germline): no classifications from unflagged records (0 of 4 stars; one submission).

Submission:

ISCA site 1
Classification: Likely benign. Last evaluated: 2018-02-12. Review status: flagged submission. Collection method: clinical testing. Allele origin: unknown. Affected: yes. Observed: 1 variant allele.
Comment: Copy number variation identified through the course of routine clinical cytogenomic testing in postnatal populations, with clinical assertions as classified by the original submitter. For data from the original published study, Kaminsky, et al. 2011 (PubMed 21844811), please see nstd101.
ClinVar note: Notes: This submission was flagged because its interpretation of this variant conflicts with the ClinGen Gene Dosage Map curation for the gene STS.
ClinVar note: Reason: Conflict with ClinGen Gene Dosage Map

GRCh38/hg38 Xp22.31(chrX:6922830-8167603)x1

Genes: MIR4767 (microRNA 4767; plus strand), MIR651 (microRNA 651; plus strand), PNPLA4 (patatin like domain 4, phospholipase and triacylglycerol lipase; minus strand), PUDP (pseudouridine 5'-phosphatase; minus strand), STS (steroid sulfatase; plus strand) and 21 more. Cytogenetic location: Xp22.31.
Variant type: copy number loss.
Change: copy number 1 of chrX:6,922,830-8,167,603 (1.24 Mb, GRCh38 coordinates, 1-based), cytogenetic band Xp22.31.
Identifiers: ClinVar variation 155503 (VCV000155503.3).